The following is an entry in ClinVar:

NM_152393.4(KLHL40):c.544_545del (p.Ser182fs)

Gene: KLHL40 (kelch like family member 40; plus strand). Cytogenetic location: 3p22.1.
Variant type: Microsatellite.
Coding change: c.544_545del on transcript NM_152393.4 (MANE Select); coding-DNA positions 544 to 545, 2 bases deleted (TC; older notation c.544_545delTC).
Protein change: p.Ser182fs; shifts the reading frame from serine 182.
Molecular consequence: frameshift variant.
Genome position (GRCh38, 1-based): chr3:42,686,162-42,686,163, TC deleted; deleting any 2 consecutive bases within chr3:42,686,160-42,686,163 gives the same sequence; the c. name uses the placement nearest the transcript's 3' end. VCF-style (leftmost placement, unchanged base first): chr3-42686159-ATC-A. GRCh37 (hg19) VCF-style: chr3-42727651-ATC-A.
Other names: short protein forms S182fs.
Identifiers: ClinVar variation 952701 (VCV000952701.6), dbSNP rs1384412486, ClinGen allele CA542618045.
Genomic context (GRCh38, chr3:42,686,159, plus strand): 5'-ACGCTGGTGGCGCGCGACGCTGACTTCCTCGGACTCTCGGCCGACGAGCTCATCGCCATC[ATC>A]TCCAGCGACGGCCTTAACGTGGAGAAGGAGGAGGCAGTGTTCGAGGCGGTGATGCGGTGG-3'

ClinVar aggregate classification (germline): Pathogenic (1 of 4 stars; one submission).

Conditions:
Nemaline myopathy 8 (NEM8). Also called: Nemaline myopathy 8, autosomal recessive. Identifiers: Orphanet 171430, MedGen C3809209, MONDO:0014138, OMIM 615348.

Submission:

Labcorp Genetics (formerly Invitae), Labcorp
Classification: Pathogenic for Nemaline myopathy 8. Last evaluated: 2022-08-13. Review status: criteria provided, single submitter. Criteria: Invitae Variant Classification Sherloc (09022015). Collection method: clinical testing. Allele origin: germline.
Comment: For these reasons, this variant has been classified as Pathogenic. ClinVar contains an entry for this variant (Variation ID: 952701). This variant has not been reported in the literature in individuals affected with KLHL40-related conditions. This variant is present in population databases (no rsID available, gnomAD 0.007%). This sequence change creates a premature translational stop signal (p.Ser182Glnfs*5) in the KLHL40 gene. It is expected to result in an absent or disrupted protein product. Loss-of-function variants in KLHL40 are known to be pathogenic (PMID: 23746549).

Literature cited by the submitters: PubMed 23746549.